The following is an entry in ClinVar:

NM_170784.3(MKKS):c.221del (p.Ile73_Leu74insTer)

Gene: MKKS (MKKS centrosomal shuttling protein; minus strand). Cytogenetic location: 20p12.2.
Variant type: Deletion.
Coding change: c.221del on transcript NM_170784.3 (MANE Select); coding-DNA position 221, one base deleted (T; older notation c.221delT).
Protein change: p.Ile73_Leu74insTer.
Molecular consequence: nonsense.
Genome position (GRCh38, 1-based): chr20:10,413,294, A deleted on the plus strand (T on the coding strand, the reverse complement: MKKS is on the minus strand); the first of 4 consecutive A bases (chr20:10,413,294-10,413,297); deleting any one gives the same sequence. VCF-style (leftmost placement, unchanged base first): chr20-10413293-TA-T. GRCh37 (hg19) VCF-style: chr20-10393941-TA-T.
Other names: c.221del, p.Ile73_Leu74insTer (NM_018848.3).
Identifiers: ClinVar variation 2031791 (VCV002031791.4), dbSNP rs2514497554, ClinGen allele CA2580097867.
Genomic context (GRCh38, chr20:10,413,293, plus strand): 5'-GAATAAGCCACAATCACTGAAGCTTGACACATGATTCTGTATGGAGGCTGTCAGGATCTT[TA>T]AAATGGGATGTGTGACCAAAAGGTGACTGAGCAGAGCTGAGGACTGTGAGGTTGTACACA-3'

ClinVar aggregate classification (germline): Pathogenic (1 of 4 stars; one submission).

Conditions:
Bardet-Biedl syndrome (BBS). Identifiers: Orphanet 110, MedGen C0752166, MONDO:0015229.
McKusick-Kaufman syndrome (MKKS). Also called: HYDROMETROCOLPOS SYNDROME; HYDROMETROCOLPOS, POSTAXIAL POLYDACTYLY, AND CONGENITAL HEART MALFORMATION. Identifiers: Orphanet 2473, MedGen C0948368, MONDO:0009367, OMIM 236700.

Submission:

Labcorp Genetics (formerly Invitae), Labcorp
Classification: Pathogenic for McKusick-Kaufman syndrome; Bardet-Biedl syndrome. Last evaluated: 2022-09-22. Review status: criteria provided, single submitter. Criteria: Invitae Variant Classification Sherloc (09022015). Collection method: clinical testing. Allele origin: germline.
Comment: For these reasons, this variant has been classified as Pathogenic. This variant has not been reported in the literature in individuals affected with MKKS-related conditions. This variant is not present in population databases (gnomAD no frequency). This sequence change creates a premature translational stop signal (p.Leu74*) in the MKKS gene. It is expected to result in an absent or disrupted protein product. Loss-of-function variants in MKKS are known to be pathogenic (PMID: 11179009, 28761321, 30614526).

Literature cited by the submitters: PubMed 11179009; PubMed 28761321; PubMed 30614526.